The following is an entry in ClinVar:

ClinVar aggregate classification (germline): Conflicting classifications of pathogenicity. Review status: criteria provided, conflicting classifications (1 of 4 stars). 2 submissions from 2 submitters: Uncertain significance (1); Likely benign (1). Last evaluated 2025-08-02.

Conditions:
Long QT syndrome (LQTS). Identifiers: MedGen C0023976, MeSH D008133, MONDO:0002442. Disease mechanism: loss of function. Inheritance: Various modes of inheritance.
Cardiovascular phenotype. Identifiers: MedGen CN230736.

Submissions (3):

Labcorp Genetics (formerly Invitae), Labcorp
Classification: Uncertain significance for Long QT syndrome. Last evaluated: 2025-08-02. Review status: criteria provided, single submitter. Criteria: Invitae Variant Classification Sherloc (09022015). Collection method: clinical testing. Allele origin: germline.
Comment: This sequence change replaces isoleucine, which is neutral and non-polar, with valine, which is neutral and non-polar, at codon 115 of the KCNE1 protein (p.Ile115Val). This variant is not present in population databases (gnomAD no frequency). This variant has not been reported in the literature in individuals affected with KCNE1-related conditions. ClinVar contains an entry for this variant (Variation ID: 2453431). Invitae Evidence Modeling of protein sequence and biophysical properties (such as structural, functional, and spatial information, amino acid conservation, physicochemical variation, residue mobility, and thermodynamic stability) indicates that this missense variant is not expected to disrupt KCNE1 protein function with a negative predictive value of 95%. In summary, the available evidence is currently insufficient to determine the role of this variant in disease. Therefore, it has been classified as a Variant of Uncertain Significance.

Ambry Genetics
Classification: Likely benign for Cardiovascular phenotype. Last evaluated: 2023-03-25. Review status: criteria provided, single submitter. Criteria: Ambry Variant Classification Scheme 2023. Collection method: clinical testing. Allele origin: germline.

Roden Lab, Vanderbilt University Medical Center
No classification provided (evidence only). Condition: Long QT syndrome 5. Review status: no classification provided. Collection method: in vitro. Allele origin: not applicable. Functional consequence: Effect on ion channel function. Not counted in ClinVar's aggregate classification.
ClinVar note: "not provided" was previously submitted as the classification for the variant. However, the classification appeared to be based only on an observation of functional data so it was converted to no classification on 2025-07-30.

NM_000219.6(KCNE1):c.343A>G (p.Ile115Val)

Gene: KCNE1 (potassium voltage-gated channel subfamily E regulatory subunit 1; minus strand). Cytogenetic location: 21q22.12.
Variant type: single nucleotide variant.
Coding change: c.343A>G on transcript NM_000219.6 (MANE Select); coding-DNA position 343, A replaced by G.
Protein change: p.Ile115Val; replaces isoleucine 115 with valine.
Molecular consequence: missense variant.
Genome position (GRCh38, 1-based): chr21:34,449,292, T>C on the plus strand (A>G on the coding strand, the complement: KCNE1 is on the minus strand). VCF-style: chr21-34449292-T-C. GRCh37 (hg19) VCF-style: chr21-35821590-T-C.
Other names: c.343A>G, p.Ile115Val (NM_001127668.4, NM_001127669.4, NM_001127670.4 and 4 more transcripts); short protein forms I115V.
Identifiers: ClinVar variation 2453431 (VCV002453431.8), dbSNP rs2123456785, ClinGen allele CA410197980.
Genomic context (GRCh38, chr21:34,449,292, plus strand): 5'-CCAGTGGTGGGGTTCATGGGGAAGGCTTCGTCTCAGGAAGGTGTGTGTTGGGTTGTTCTA[T>C]GGCCAGATGGTTTTCAACGACATAGCACGACCTGTAGCTCTCCAGGACCCGGGCCTGGAC-3'
Protein context (NP_000210.2, residues 105-125): SCYVVENHLA[Ile115Val]EQPNTHLPET